The following is an entry in ClinVar:

ClinVar aggregate classification (germline): Uncertain significance. Review status: criteria provided, multiple submitters, no conflicts (2 of 4 stars). 5 submissions from 4 submitters: Uncertain significance (5). Last evaluated 2022-10-23.

Conditions:
Autosomal dominant nocturnal frontal lobe epilepsy 5. Also called: KCNT1-Related Epilepsy; CILIARY DYSKINESIA, PRIMARY, 28, WITHOUT SITUS INVERSUS; CILIARY DYSKINESIA, PRIMARY, 28, WITH SITUS INVERSUS; Epilepsy, nocturnal frontal lobe, 5. Identifiers: Orphanet 98784, MedGen C3554306, MONDO:0014002, OMIM 615005.
Developmental and epileptic encephalopathy, 14 (DEE14). Also called: Early infantile epileptic encephalopathy 14. Identifiers: Orphanet 293181, MedGen C3554195, MONDO:0013989, OMIM 614959.
Congenital anomaly of kidney and urinary tract. Also called: Congenital anomalies of kidney and urinary tract; Congenital anomalies of the kidney and urinary tract. Identifiers: Orphanet 93545, MedGen C1968949, MeSH C566906, MONDO:0019719.

Allele frequency attached by ClinVar (database versions not stated): gnomAD exomes below 0.00001.
gnomAD v4.1: 1 of 1,613,500 alleles (0.000062%); highest among the groups gnomAD compares: Non-Finnish European, 0.000085%; no homozygotes.

Submissions (5):

Labcorp Genetics (formerly Invitae), Labcorp
Classification: Uncertain significance for Autosomal dominant nocturnal frontal lobe epilepsy 5; Developmental and epileptic encephalopathy, 14. Last evaluated: 2022-10-23. Review status: criteria provided, single submitter. Criteria: Invitae Variant Classification Sherloc (09022015). Collection method: clinical testing. Allele origin: germline.
Comment: ClinVar contains an entry for this variant (Variation ID: 930626). This variant has not been reported in the literature in individuals affected with KCNT1-related conditions. This variant is not present in population databases (gnomAD no frequency). This sequence change replaces isoleucine, which is neutral and non-polar, with methionine, which is neutral and non-polar, at codon 324 of the KCNT1 protein (p.Ile324Met). Advanced modeling of protein sequence and biophysical properties (such as structural, functional, and spatial information, amino acid conservation, physicochemical variation, residue mobility, and thermodynamic stability) performed at Invitae indicates that this missense variant is not expected to disrupt KCNT1 protein function. In summary, the available evidence is currently insufficient to determine the role of this variant in disease. Therefore, it has been classified as a Variant of Uncertain Significance.

Genome-Nilou Lab
Classification: Uncertain significance for Developmental and epileptic encephalopathy, 14. Last evaluated: 2022-03-15. Review status: criteria provided, single submitter. Criteria: ACMG Guidelines, 2015. Collection method: clinical testing. Allele origin: germline. Affected: no.

Genome-Nilou Lab
Classification: Uncertain significance for Autosomal dominant nocturnal frontal lobe epilepsy 5. Last evaluated: 2022-03-15. Review status: criteria provided, single submitter. Criteria: ACMG Guidelines, 2015. Collection method: clinical testing. Allele origin: germline. Affected: no.

Cambridge Genomics Laboratory, East Genomic Laboratory Hub, NHS Genomic Medicine Service
Classification: Uncertain significance for Congenital anomaly of kidney and urinary tract. Last evaluated: 2020-04-29. Review status: criteria provided, single submitter. Criteria: ACGS Best Practice Guidelines for Variant Classification in Rare Disease 2020. Collection method: clinical testing. Allele origin: germline. Affected: yes. Observed: 1 variant allele.

Centre for Mendelian Genomics, University Medical Centre Ljubljana
Classification: Uncertain significance for Autosomal dominant nocturnal frontal lobe epilepsy 5. Last evaluated: 2020-02-04. Review status: criteria provided, single submitter. Criteria: ACMG Guidelines, 2015. Collection method: clinical testing. Allele origin: unknown. Affected: yes.
Comment: This variant was classified as: Uncertain significance. The available evidence on this variant's pathogenicity is insufficient or conflicting. The following ACMG criteria were applied in classifying this variant: PM2,PP3.

NM_020822.3(KCNT1):c.972C>G (p.Ile324Met)

Gene: KCNT1 (potassium sodium-activated channel subfamily T member 1; plus strand). Cytogenetic location: 9q34.3.
Variant type: single nucleotide variant.
Coding change: c.972C>G on transcript NM_020822.3 (MANE Select); coding-DNA position 972, C replaced by G.
Protein change: p.Ile324Met; replaces isoleucine 324 with methionine.
Molecular consequence: missense variant.
Genome position (GRCh38, 1-based): chr9:135,759,796, C>G. VCF-style: chr9-135759796-C-G. GRCh37 (hg19) VCF-style: chr9-138651642-C-G.
Other names: c.837C>G, p.Ile279Met (NM_001272003.2); short protein forms I279M, I324M.
Identifiers: ClinVar variation 930626 (VCV000930626.15), dbSNP rs1831785244, ClinGen allele CA375498603.